The following is an entry in ClinVar:

ClinVar aggregate classification (germline): Uncertain significance. Review status: criteria provided, multiple submitters, no conflicts (2 of 4 stars). 2 submissions from 2 submitters: Uncertain significance (2). Last evaluated 2023-09-21.

Conditions:
Inborn genetic diseases. Identifiers: MedGen C0950123, MeSH D030342.

Allele frequency attached by ClinVar (database versions not stated): gnomAD 0.00001; TOPMed 0.00002.
gnomAD v4.1: 22 of 1,613,798 alleles (0.0014%); highest among the groups gnomAD compares: Middle Eastern, 0.034%; no homozygotes.

Submissions (2):

Ambry Genetics
Classification: Uncertain significance for Inborn genetic diseases. Last evaluated: 2023-09-21. Review status: criteria provided, single submitter. Criteria: Ambry Variant Classification Scheme 2023. Collection method: clinical testing. Allele origin: germline.

Labcorp Genetics (formerly Invitae), Labcorp
Classification: Uncertain significance. Last evaluated: 2022-10-13. Review status: criteria provided, single submitter. Criteria: Invitae Variant Classification Sherloc (09022015). Collection method: clinical testing. Allele origin: germline.
Comment: This sequence change replaces leucine, which is neutral and non-polar, with valine, which is neutral and non-polar, at codon 135 of the CNGB3 protein (p.Leu135Val). This variant is present in population databases (rs767209573, gnomAD 0.004%). This variant has not been reported in the literature in individuals affected with CNGB3-related conditions. Advanced modeling of protein sequence and biophysical properties (such as structural, functional, and spatial information, amino acid conservation, physicochemical variation, residue mobility, and thermodynamic stability) performed at Invitae indicates that this missense variant is not expected to disrupt CNGB3 protein function. In summary, the available evidence is currently insufficient to determine the role of this variant in disease. Therefore, it has been classified as a Variant of Uncertain Significance.

NM_019098.5(CNGB3):c.403C>G (p.Leu135Val)

Gene: CNGB3 (cyclic nucleotide gated channel subunit beta 3; minus strand). Cytogenetic location: 8q21.3.
Variant type: single nucleotide variant.
Coding change: c.403C>G on transcript NM_019098.5 (MANE Select); coding-DNA position 403, C replaced by G.
Protein change: p.Leu135Val; replaces leucine 135 with valine.
Molecular consequence: missense variant.
Genome position (GRCh38, 1-based): chr8:86,671,034, G>C on the plus strand (C>G on the coding strand, the complement: CNGB3 is on the minus strand). VCF-style: chr8-86671034-G-C. GRCh37 (hg19) VCF-style: chr8-87683262-G-C.
Other names: c.403C>G (NM_019098.4); short protein forms L135V.
Identifiers: ClinVar variation 2151697 (VCV002151697.2), dbSNP rs767209573, ClinGen allele CA4800406.